The following is an entry in ClinVar:

ClinVar aggregate classification (germline): Uncertain significance. Review status: criteria provided, multiple submitters, no conflicts (2 of 4 stars). 8 submissions from 8 submitters: Uncertain significance (8). Last evaluated 2026-05-26.

Conditions:
Cardiovascular phenotype. Identifiers: MedGen CN230736.
Cardiomyopathy (CMYO). Also called: Cardiomyopathies. Identifiers: Orphanet 167848, MedGen C0878544, MONDO:0004994, HP:0001638. Inheritance: Various modes of inheritance.
Lethal congenital glycogen storage disease of heart. Also called: GLYCOGEN STORAGE DISEASE OF HEART; PHOSPHORYLASE KINASE DEFICIENCY OF HEART. Identifiers: Orphanet 439854, MedGen C1849813, MONDO:0009867, OMIM 261740.
Hypertrophic cardiomyopathy 6. Identifiers: MedGen C1833236, MONDO:0010946, OMIM 600858.

Allele frequency attached by ClinVar (database versions not stated): gnomAD exomes 0.00001; TOPMed below 0.00001; gnomAD 0.00001; ExAC 0.00002; ESP Exome Variant Server 0.00008.
gnomAD v4.1: 18 of 1,612,138 alleles (0.0011%); highest among the groups gnomAD compares: Non-Finnish European, 0.0014%; no homozygotes.

Submissions (8):

Women's Health and Genetics/Laboratory Corporation of America, LabCorp
Classification: Uncertain significance. Last evaluated: 2026-05-26. Review status: criteria provided, single submitter. Criteria: LabCorp Variant Classification Summary - May 2015. Collection method: clinical testing. Allele origin: germline.
Comment: Variant summary: PRKAG2 c.1315A>G (p.Ile439Val) results in a conservative amino acid change in the encoded protein sequence. Algorithms developed to predict the effect of missense changes on protein structure and function are either unavailable or do not agree on the potential impact of this missense change. The variant allele was found at a frequency of 1.2e-05 in 251466 control chromosomes. c.1315A>G has been observed in individual(s) affected with PRKAG2-related conditions. These data indicate that the variant may be associated with disease. To our knowledge, no experimental evidence demonstrating an impact on protein function has been reported. The following publications have been ascertained in the context of this evaluation (PMID: 27532257, 36578016, 38473809, 38254962). ClinVar contains an entry for this variant (Variation ID: 45695). Based on the evidence outlined above, the variant was classified as VUS-possibly pathogenic.

Labcorp Genetics (formerly Invitae), Labcorp
Classification: Uncertain significance for Lethal congenital glycogen storage disease of heart. Last evaluated: 2026-01-26. Review status: criteria provided, single submitter. Criteria: Invitae Variant Classification Sherloc (09022015). Collection method: clinical testing. Allele origin: germline.
Comment: This sequence change replaces isoleucine, which is neutral and non-polar, with valine, which is neutral and non-polar, at codon 439 of the PRKAG2 protein (p.Ile439Val). This variant is present in population databases (rs370257703, gnomAD 0.003%). This missense change has been observed in individual(s) with clinical features of PRKAG2-related conditions (PMID: 27532257, 38254962). ClinVar contains an entry for this variant (Variation ID: 45695). Invitae Evidence Modeling of protein sequence and biophysical properties (such as structural, functional, and spatial information, amino acid conservation, physicochemical variation, residue mobility, and thermodynamic stability) indicates that this missense variant is not expected to disrupt PRKAG2 protein function with a negative predictive value of 95%. In summary, the available evidence is currently insufficient to determine the role of this variant in disease. Therefore, it has been classified as a Variant of Uncertain Significance.

Mayo Clinic Laboratories, Mayo Clinic
Classification: Uncertain significance. Last evaluated: 2025-10-09. Review status: criteria provided, single submitter. Criteria: ACMG Guidelines, 2015. Collection method: clinical testing. Allele origin: germline. Observed: 1 variant allele.
Comment: BP5, PM2_supporting

Color Diagnostics, LLC DBA Color Health
Classification: Uncertain significance for Cardiomyopathy. Last evaluated: 2025-04-07. Review status: criteria provided, single submitter. Criteria: ACMG Guidelines, 2015. Collection method: clinical testing. Allele origin: germline.
Comment: This missense variant replaces isoleucine with valine at codon 439 of the PRKAG2 protein. Computational prediction suggests that this variant may not impact protein structure and function. To our knowledge, functional studies have not been reported for this variant. This variant has been reported in an individual affected with hypertrophic cardiomyopathy (PMID: 25611685, 27532257), in an individual affected with dilated cardiomyopathy (PMID: 38473809), in an individual affected with arrhythmogenic right ventricular cardiomyopathy (PMID: 30847666), and an individual affected with syncope or termination of sudden arrhythmic death (PMID: 38254962). This variant has been identified in 3/251466 chromosomes in the general population by the Genome Aggregation Database (gnomAD). The available evidence is insufficient to determine the role of this variant in disease conclusively. Therefore, this variant is classified as a Variant of Uncertain Significance.

GeneDx
Classification: Uncertain significance. Last evaluated: 2024-06-03. Review status: criteria provided, single submitter. Criteria: GeneDx Variant Classification Process June 2021. Collection method: clinical testing. Allele origin: germline. Affected: yes.
Comment: Has been reported as a variant of uncertain significance in association with HCM, DCM, or ARVC (PMID: 27532257); Not observed at significant frequency in large population cohorts (gnomAD); In silico analysis supports that this missense variant does not alter protein structure/function; This variant is associated with the following publications: (PMID: 38254962, 27532257, 36243179)

Ambry Genetics
Classification: Uncertain significance for Cardiovascular phenotype. Last evaluated: 2021-09-16. Review status: criteria provided, single submitter. Criteria: Ambry Variant Classification Scheme 2023. Collection method: clinical testing. Allele origin: germline.

Agnes Ginges Centre for Molecular Cardiology, Centenary Institute
Classification: Uncertain significance for Hypertrophic cardiomyopathy 6. Last evaluated: 2017-04-27. Review status: criteria provided, single submitter. Criteria: ACMG Guidelines, 2015. Collection method: research. Allele origin: germline. Affected: yes.
Comment: This variant has been identified as part of our research program. Refer to the 'condition' field for the phenotype of the proband(s) identified with this variant. For further information please feel free to contact us.

Laboratory for Molecular Medicine, Mass General Brigham Personalized Medicine
Classification: Uncertain significance. Last evaluated: 2012-04-20. Review status: criteria provided, single submitter. Criteria: LMM Criteria. Collection method: clinical testing. Allele origin: germline. Observed: 2 variant alleles.
Comment: The Ile439Val variant (PRKAG2) has not been reported in the literature nor previ ously identified by our laboratory. It is located in the CBS domain region of t he PRKAG2 protein, where all pathogenic PRKAG2 variants have been identified to date (Oliveira 2003). Computational analyses (biochemical amino acid properties, AlignGVGD, PolyPhen2, and SIFT) suggest that this variant may not impact the pr otein, though this information is not predictive enough to rule out pathogenicit y. Additional information is needed to fully assess the clinical significance of the Ile439Val variant. PRKAG2 variants cause a heart specific non-lysosomal g lycogenosis with typical clinical onset in adolescence or the 3rd decade. Howev er, neonatal onset of hypertrophy has also been described (Burwinkel 2005).

Literature cited by the submitters: PubMed 27532257 (cited by 5 submitters); PubMed 38254962 (cited by 4 submitters); PubMed 38473809 (cited by 3 submitters); PubMed 36578016 (cited by Women's Health and Genetics/Laboratory Corporation of America, LabCorp); PubMed 25611685 (cited by Color Diagnostics, LLC DBA Color Health); PubMed 30847666 (cited by Color Diagnostics, LLC DBA Color Health).

NM_016203.4(PRKAG2):c.1315A>G (p.Ile439Val)

Gene: PRKAG2 (protein kinase AMP-activated non-catalytic subunit gamma 2; minus strand). Cytogenetic location: 7q36.1.
Variant type: single nucleotide variant.
Coding change: c.1315A>G on transcript NM_016203.4 (MANE Select); coding-DNA position 1315, A replaced by G.
Protein change: p.Ile439Val; replaces isoleucine 439 with valine.
Molecular consequence: missense variant.
Genome position (GRCh38, 1-based): chr7:151,565,804, T>C on the plus strand (A>G on the coding strand, the complement: PRKAG2 is on the minus strand). VCF-style: chr7-151565804-T-C. GRCh37 (hg19) VCF-style: chr7-151262890-T-C.
Other names: p.I439V:ATA>GTA; c.1183A>G, p.Ile395Val (NM_001040633.2); c.940A>G, p.Ile314Val (NM_001304527.2); c.592A>G, p.Ile198Val (NM_001304531.2, NM_024429.2); c.943A>G, p.Ile315Val (NM_001363698.2); short protein forms I439V, I198V, I314V, I315V, I395V.
Identifiers: ClinVar variation 45695 (VCV000045695.23), dbSNP rs370257703, ClinGen allele CA013732.